The following is an entry in ClinVar:

NM_000384.3(APOB):c.6253C>T (p.Arg2085Ter)

Gene: APOB (apolipoprotein B; minus strand). Cytogenetic location: 2p24.1.
Variant type: single nucleotide variant.
Coding change: c.6253C>T on transcript NM_000384.3 (MANE Select); coding-DNA position 6253, C replaced by T.
Protein change: p.Arg2085Ter; replaces arginine 2085 with a stop codon.
Molecular consequence: nonsense.
Genome position (GRCh38, 1-based): chr2:21,010,615, G>A on the plus strand (C>T on the coding strand, the complement: APOB is on the minus strand). VCF-style: chr2-21010615-G-A. GRCh37 (hg19) VCF-style: chr2-21233487-G-A.
Other names: R2058*; APOB46; short protein forms R2085*.
Identifiers: ClinVar variation 17887 (VCV000017887.54), dbSNP rs121918386, ClinGen allele CA022883.

ClinVar aggregate classification (germline): Pathogenic/Likely pathogenic. Review status: criteria provided, multiple submitters, no conflicts (2 of 4 stars). 4 submissions from 4 submitters: Pathogenic (2); Likely pathogenic (1). 1 of the submissions does not count toward it. Last evaluated 2026-06-01.

Conditions:
Familial hypobetalipoproteinemia 1. Also called: Hypobetalipoproteinemia, normotriglyceridemic; Acanthocytosis with hypobetalipoproteinemia; APOB-Related Familial Hypobetalipoproteinemia. Identifiers: MedGen C4551990, MONDO:0014252, OMIM 615558.
Hypercholesterolemia, autosomal dominant, type B (FHCL2). Also called: Familial Hypercholesterolemia Type B; Familial hypercholesterolemia 2; APOLIPOPROTEIN B-100, FAMILIAL DEFECTIVE; APOLIPOPROTEIN B-100, FAMILIAL LIGAND-DEFECTIVE; HYPERCHOLESTEROLEMIA, FAMILIAL, DUE TO LIGAND-DEFECTIVE APOLIPOPROTEIN B; APOB-Related Familial Hypercholesterolemia, Autosomal Dominant. Identifiers: MedGen C1704417, MONDO:0007751, OMIM 144010.
Familial hypercholesterolemia. Also called: Familial hypercholesterolemias; Familial hypercholesterolaemia. Identifiers: MedGen C0020445, MONDO:0005439.
Familial hypobetalipoproteinemia (FHBL). Also called: Hypobetalipoproteinemia, familial, associated with apob46; Hypobetalipoproteinemia, familial, associated with apob87; Hypobetalipoproteinemia, familial, associated with apob31; Hypobetalipoproteinemia, familial, associated with apob39; Hypobetalipoproteinemia, familial, associated with apob40; Hypobetalipoproteinemia, familial, associated with apob90 or apob89. Identifiers: MedGen C1862596.

Allele frequency attached by ClinVar (database versions not stated): gnomAD 0.00001; gnomAD exomes 0.00002; ExAC 0.00004.
gnomAD v4.1: 25 of 1,613,848 alleles (0.0015%); highest among the groups gnomAD compares: East Asian, 0.0022%; no homozygotes.

Submissions (4):

CeGaT Center for Human Genetics Tuebingen
Classification: Pathogenic. Last evaluated: 2026-06-01. Review status: criteria provided, single submitter. Criteria: CeGaT Center For Human Genetics Tuebingen Variant Classification Criteria Version 2. Collection method: clinical testing. Allele origin: germline. Affected: yes. Observed: 2 variant alleles.
Comment: APOB: PVS1, PM2

Labcorp Genetics (formerly Invitae), Labcorp
Classification: Pathogenic for Familial hypobetalipoproteinemia 1; Hypercholesterolemia, autosomal dominant, type B. Last evaluated: 2025-07-21. Review status: criteria provided, single submitter. Criteria: Invitae Variant Classification Sherloc (09022015). Collection method: clinical testing. Allele origin: germline.
Comment: This sequence change creates a premature translational stop signal (p.Arg2085*) in the APOB gene. It is expected to result in an absent or disrupted protein product. Loss-of-function variants in APOB are known to be pathogenic (PMID: 20032471). This variant is present in population databases (rs121918386, gnomAD 0.004%). This premature translational stop signal has been observed in individual(s) with familial hypobetalipoproteinemia (PMID: 2725600). This variant is also known as C to T at nucleotide 6381. ClinVar contains an entry for this variant (Variation ID: 17887). For these reasons, this variant has been classified as Pathogenic.

Dasa
Classification: Likely pathogenic for Familial hypercholesterolemia. Last evaluated: 2022-01-05. Review status: criteria provided, single submitter. Criteria: ACMG Guidelines, 2015. Collection method: clinical testing. Allele origin: germline. Affected: yes. Observed: 1 variant allele.
Comment: The variant creates a premature translational stop signal c.6253C>T;p.(Arg2085*) in APOB gene. It is expected to result in an absent or disrupted protein product - PVS1.This variant is not present in population databases (rs121918386, gnomAD; ABraOM no frequency) - PM2. In summary, the currently available evidence indicates that the variant is likely pathogenic.

OMIM
Classification: Pathogenic for HYPOBETALIPOPROTEINEMIA, FAMILIAL, ASSOCIATED WITH APOB46. Last evaluated: 1989-06-15. Review status: no assertion criteria provided. Collection method: literature only. Allele origin: germline. Not counted in ClinVar's aggregate classification.

Literature cited by the submitters: PubMed 20032471 (cited by Labcorp Genetics (formerly Invitae), Labcorp); PubMed 2725600 (cited by Labcorp Genetics (formerly Invitae), Labcorp and OMIM); PubMed 2843815 (cited by OMIM).